The following is an entry in ClinVar:

NM_001024845.3(SLC6A9):c.598G>T (p.Val200Leu)

Gene: SLC6A9 (solute carrier family 6 member 9; minus strand). Cytogenetic location: 1p34.1.
Variant type: single nucleotide variant.
Coding change: c.598G>T on transcript NM_001024845.3 (MANE Select); coding-DNA position 598, G replaced by T.
Protein change: p.Val200Leu; replaces valine 200 with leucine.
Molecular consequence: missense variant. On other transcripts: non-coding transcript variant (1).
Genome position (GRCh38, 1-based): chr1:44,002,978, C>A on the plus strand (G>T on the coding strand, the complement: SLC6A9 is on the minus strand). VCF-style: chr1-44002978-C-A. GRCh37 (hg19) VCF-style: chr1-44468650-C-A.
Other names: c.610G>T, p.Val204Leu (NM_001261380.2); c.265G>T, p.Val89Leu (NM_001328626.2, NM_001328630.2); c.535G>T, p.Val179Leu (NM_001328627.1); c.403G>T, p.Val135Leu (NM_001328628.1); c.598G>T, p.Val200Leu (NM_001328629.1); c.655G>T, p.Val219Leu (NM_006934.4); c.817G>T, p.Val273Leu (NM_201649.4); short protein forms V135L, V179L, V200L, V204L, V219L, V273L, V89L.
Identifiers: ClinVar variation 3624870 (VCV003624870.2).

ClinVar aggregate classification (germline): Uncertain significance (1 of 4 stars; one submission).

Conditions:
Atypical glycine encephalopathy. Also called: Glycine encephalopathy with normal serum glycine. Identifiers: Orphanet 289863, MedGen C4310943, MONDO:0015010, OMIM 617301.

gnomAD v4.1: 2 of 1,614,106 alleles (0.00012%); highest among the groups gnomAD compares: South Asian, 0.0011%; no homozygotes.

Submission:

Labcorp Genetics (formerly Invitae), Labcorp
Classification: Uncertain significance for Atypical glycine encephalopathy. Last evaluated: 2024-07-31. Review status: criteria provided, single submitter. Criteria: Invitae Variant Classification Sherloc (09022015). Collection method: clinical testing. Allele origin: germline.
Comment: This sequence change replaces valine, which is neutral and non-polar, with leucine, which is neutral and non-polar, at codon 273 of the SLC6A9 protein (p.Val273Leu). This variant is present in population databases (no rsID available, gnomAD 0.003%). This variant has not been reported in the literature in individuals affected with SLC6A9-related conditions. An algorithm developed to predict the effect of missense changes on protein structure and function (PolyPhen-2) suggests that this variant is likely to be disruptive. In summary, the available evidence is currently insufficient to determine the role of this variant in disease. Therefore, it has been classified as a Variant of Uncertain Significance.